The following is an entry in ClinVar:

NM_000384.3(APOB):c.11787T>C (p.Asn3929=)

Gene: APOB (apolipoprotein B; minus strand). Cytogenetic location: 2p24.1.
Variant type: single nucleotide variant.
Coding change: c.11787T>C on transcript NM_000384.3 (MANE Select); coding-DNA position 11787, T replaced by C.
Protein change: p.Asn3929=; no amino-acid change (asparagine 3929 retained).
Molecular consequence: synonymous variant.
Genome position (GRCh38, 1-based): chr2:21,005,081, A>G on the plus strand (T>C on the coding strand, the complement: APOB is on the minus strand). VCF-style: chr2-21005081-A-G. GRCh37 (hg19) VCF-style: chr2-21227953-A-G.
Identifiers: ClinVar variation 629327 (VCV000629327.7), dbSNP rs1047501521, ClinGen allele CA43491419.
Genomic context (GRCh38, chr2:21,005,081, plus strand): 5'-ACTCATAACTCTCATTGAAAATATACAGTATCTAGGAGAGGAGGCAGGATATTTCTTACC[A>G]TTTAGTTCATATTCTAGGAACTGTACGGTTGAGCTGCATGTGGAATCCAGGACTGTTTCA-3'
Protein context (NP_000375.3, residues 3919-3939): STVQFLEYEL[Asn3929=]VLGTHKIEDG

ClinVar aggregate classification (germline): Conflicting classifications of pathogenicity. Review status: criteria provided, conflicting classifications (1 of 4 stars). 4 submissions from 4 submitters: Uncertain significance (1); Likely benign (3). Last evaluated 2025-12-21.

Conditions:
Familial hypercholesterolemia. Also called: Familial hypercholesterolemias; Familial hypercholesterolaemia. Identifiers: MedGen C0020445, MONDO:0005439.
Cardiovascular phenotype. Identifiers: MedGen CN230736.
Hypercholesterolemia, autosomal dominant, type B (FHCL2). Also called: Familial Hypercholesterolemia Type B; Familial hypercholesterolemia 2; APOLIPOPROTEIN B-100, FAMILIAL DEFECTIVE; APOLIPOPROTEIN B-100, FAMILIAL LIGAND-DEFECTIVE; HYPERCHOLESTEROLEMIA, FAMILIAL, DUE TO LIGAND-DEFECTIVE APOLIPOPROTEIN B; APOB-Related Familial Hypercholesterolemia, Autosomal Dominant. Identifiers: MedGen C1704417, MONDO:0007751, OMIM 144010.
Familial hypobetalipoproteinemia 1. Also called: APOB-Related Familial Hypobetalipoproteinemia; Hypobetalipoproteinemia, normotriglyceridemic; Acanthocytosis with hypobetalipoproteinemia. Identifiers: MedGen C4551990, MONDO:0014252, OMIM 615558.

Allele frequency attached by ClinVar (database versions not stated): gnomAD exomes 0.00001; TOPMed 0.00002; gnomAD 0.00003.
gnomAD v4.1: 41 of 1,613,672 alleles (0.0025%); highest among the groups gnomAD compares: Non-Finnish European, 0.0034%; no homozygotes.

Submissions (4):

Labcorp Genetics (formerly Invitae), Labcorp
Classification: Uncertain significance for Familial hypobetalipoproteinemia 1; Hypercholesterolemia, autosomal dominant, type B. Last evaluated: 2025-12-21. Review status: criteria provided, single submitter. Criteria: Invitae Variant Classification Sherloc (09022015). Collection method: clinical testing. Allele origin: germline.
Comment: This sequence change affects codon 3929 of the APOB mRNA. It is a 'silent' change, meaning that it does not change the encoded amino acid sequence of the APOB protein. It affects a nucleotide within the consensus splice site. This variant is present in population databases (no rsID available, gnomAD 0.007%). This variant has not been reported in the literature in individuals affected with APOB-related conditions. ClinVar contains an entry for this variant (Variation ID: 629327). Algorithms developed to predict the effect of sequence changes on RNA splicing suggest that this variant is not likely to affect RNA splicing. In summary, the available evidence is currently insufficient to determine the role of this variant in disease. Therefore, it has been classified as a Variant of Uncertain Significance.

GENinCode PLC
Classification: Likely benign for Familial hypercholesterolemia. Last evaluated: 2025-10-01. Review status: criteria provided, single submitter. Criteria: ACMG Guidelines, 2015. Collection method: clinical testing. Allele origin: germline.
Comment: This is a synonymous (silent) variant that is not predicted to impact splicing and occurs at a nucleotide which is not highly conserved. This variant has been classified as Likely Benign (BP4, BP7).

Ambry Genetics
Classification: Likely benign for Cardiovascular phenotype. Last evaluated: 2022-10-17. Review status: criteria provided, single submitter. Criteria: Ambry Variant Classification Scheme 2023. Collection method: clinical testing. Allele origin: germline.

Quest Diagnostics Nichols Institute San Juan Capistrano
Classification: Likely benign. Last evaluated: 2021-08-02. Review status: criteria provided, single submitter. Criteria: Quest Diagnostics criteria. Collection method: clinical testing. Allele origin: unknown.